The following is an entry in ClinVar:

ClinVar aggregate classification (germline): Uncertain significance (1 of 4 stars; one submission).

Conditions:
Cardiovascular phenotype. Identifiers: MedGen CN230736.
Hereditary cancer-predisposing syndrome. Also called: Tumor predisposition; Hereditary neoplastic syndrome; Neoplastic Syndromes, Hereditary; Hereditary Cancer Syndrome. Identifiers: Orphanet 140162, MedGen C0027672, MeSH D009386, MONDO:0015356.

Submission:

Ambry Genetics
Classification: Uncertain significance for Cardiovascular phenotype; Hereditary cancer-predisposing syndrome. Last evaluated: 2025-04-07. Review status: criteria provided, single submitter. Criteria: Ambry Variant Classification Scheme 2023. Collection method: clinical testing. Allele origin: germline.
Comment: The p.S1755A variant (also known as c.5263T>G), located in coding exon 37 of the NF1 gene, results from a T to G substitution at nucleotide position 5263. The serine at codon 1755 is replaced by alanine, an amino acid with similar properties. This amino acid position is conserved. In addition, this alteration is predicted to be tolerated by in silico analysis. Based on the available evidence, the clinical significance of this variant remains unclear.

NM_001042492.3(NF1):c.5326T>G (p.Ser1776Ala)

Gene: NF1 (neurofibromin 1; plus strand). Cytogenetic location: 17q11.2.
Variant type: single nucleotide variant.
Coding change: c.5326T>G on transcript NM_001042492.3 (MANE Select); coding-DNA position 5326, T replaced by G.
Protein change: p.Ser1776Ala; replaces serine 1776 with alanine.
Molecular consequence: missense variant.
Genome position (GRCh38, 1-based): chr17:31,327,556, T>G. VCF-style: chr17-31327556-T-G. GRCh37 (hg19) VCF-style: chr17-29654574-T-G.
Other names: c.5263T>G, p.Ser1755Ala (NM_000267.4); short protein forms S1755A, S1776A.
Identifiers: ClinVar variation 4019952 (VCV004019952.1).